The following is an entry in ClinVar:

ClinVar aggregate classification (germline): Pathogenic. Review status: reviewed by expert panel (3 of 4 stars). 14 submissions from 14 submitters: Pathogenic (1). 13 of the submissions do not count toward it. Last evaluated 2016-09-08.

Conditions:
Hereditary breast ovarian cancer syndrome. Also called: Hereditary breast and ovarian cancer syndrome; Hereditary breast and ovarian cancer; Hereditary breast and ovarian cancer syndrome (HBOC); Breast and ovarian cancer; Hereditary breast and/or ovarian cancer syndrome; BRCA1- and BRCA2-Associated Hereditary Breast and Ovarian Cancer. Identifiers: Orphanet 145, MedGen C0677776, MeSH D061325, MONDO:0003582. Disease mechanism: loss of function.
Familial cancer of breast. Also called: BREAST CANCER, FAMILIAL; Hereditary breast cancer; hereditary breast carcinoma. Identifiers: Orphanet 227535, MedGen C0346153, MONDO:0016419, OMIM 114480. Disease mechanism: loss of function.
Breast-ovarian cancer, familial, susceptibility to, 2 (BROVCA2). Also called: BRCA2 Hereditary Breast and Ovarian Cancer. Identifiers: Orphanet 145, MedGen C2675520, MONDO:0012933, OMIM 612555. Disease mechanism: loss of function.
Hereditary cancer-predisposing syndrome. Also called: Neoplastic Syndromes, Hereditary; Tumor predisposition; Hereditary Cancer Syndrome; Hereditary neoplastic syndrome. Identifiers: Orphanet 140162, MedGen C0027672, MeSH D009386, MONDO:0015356.

Allele frequency attached by ClinVar (database versions not stated): TOPMed below 0.00001.

Submissions (14):

Evidence-based Network for the Interpretation of Germline Mutant Alleles (ENIGMA)
Classification: Pathogenic for Breast-ovarian cancer, familial, susceptibility to, 2. Last evaluated: 2016-09-08. Review status: reviewed by expert panel. Criteria: ENIGMA BRCA1/2 Classification Criteria (2015). Collection method: curation. Allele origin: germline.
Comment: Variant allele predicted to encode a truncated non-functional protein.

Ambry Genetics
Classification: Pathogenic for Hereditary cancer-predisposing syndrome. Last evaluated: 2025-11-12. Review status: criteria provided, single submitter. Criteria: Ambry Variant Classification Scheme 2023. Collection method: clinical testing. Allele origin: germline. Not counted in ClinVar's aggregate classification.
Comment: The c.3166C>T (p.Q1056*) alteration, located in exon 11 (coding exon 10) of the BRCA2 gene, consists of a C to T substitution at nucleotide position 3166. This changes the amino acid from a glutamine (Q) to a stop codon at amino acid position 1056. This alteration is expected to result in loss of function by premature protein truncation or nonsense-mediated mRNA decay. This variant was not reported in population-based cohorts in the Genome Aggregation Database (gnomAD). Based on the available evidence, this alteration is classified as pathogenic.

Labcorp Genetics (formerly Invitae), Labcorp
Classification: Pathogenic for Hereditary breast ovarian cancer syndrome. Last evaluated: 2025-08-11. Review status: criteria provided, single submitter. Criteria: Invitae Variant Classification Sherloc (09022015). Collection method: clinical testing. Allele origin: germline. Not counted in ClinVar's aggregate classification.
Comment: This sequence change creates a premature translational stop signal (p.Gln1056*) in the BRCA2 gene. It is expected to result in an absent or disrupted protein product. Loss-of-function variants in BRCA2 are known to be pathogenic (PMID: 20104584). This variant is not present in population databases (gnomAD no frequency). This premature translational stop signal has been observed in individual(s) with hereditary breast and/or ovarian cancer (PMID: 18286383, 29446198). This variant is also known as c.3394C>T. ClinVar contains an entry for this variant (Variation ID: 51412). For these reasons, this variant has been classified as Pathogenic.

Molecular Diagnostics Laboratory, Catalan Institute of Oncology
Classification: Pathogenic for Hereditary cancer-predisposing syndrome. Last evaluated: 2025-02-20. Review status: criteria provided, single submitter. Criteria: ClinGen BRCA1BRCA2 ACMG Specifications BRCA2 V1.0.0. Collection method: clinical testing. Allele origin: germline. Not counted in ClinVar's aggregate classification.
Comment: PVS1, PM2_Supporting, PM5_PTC_Strong c.3166C>T, located in exon 11 of the BRCA2 gene, is a nonsense variant expected to result in loss of function by premature protein truncation and nonsense-mediated mRNA decay, p.(Gln1056*) (PVS1, PM5_PTC_Strong). No effect is predicted on splicing by SpliceAI. It is not present in the population database gnomAD v2.1.1, non cancer dataset (PM2_supporting). To our knowledge, neither relevant clinical data nor well-stablished functional studies have been reported for this variant. In addition, it was also identified in the following databases: BRCA Exchange (Pathogenic: Variant allele predicted to encode a truncated non-functional protein), ClinVar (12x pathogenic) and LOVD (3x pathogenic). Based on the currently available information, c.3166C>T is classified as a pathogenic variant according to ClinGen-BRCA2 Guidelines version v1.0.0.

GeneDx
Classification: Pathogenic. Last evaluated: 2024-03-06. Review status: criteria provided, single submitter. Criteria: GeneDx Variant Classification Process June 2021. Collection method: clinical testing. Allele origin: germline. Affected: yes. Not counted in ClinVar's aggregate classification.
Comment: Nonsense variant predicted to result in protein truncation or nonsense mediated decay in a gene for which loss of function is a known mechanism of disease; Not observed at significant frequency in large population cohorts (gnomAD); Truncating variants in this gene are considered pathogenic by a well-established clinical consortium and/or database; Also known as 3394C>T; This variant is associated with the following publications: (PMID: 31589614, 29446198, 25525159, 19967274, 35216584, 34201547, 28918466, 28127413, 31454914, 18286383, 32842532, 28888541, 37922907)

Quest Diagnostics Nichols Institute San Juan Capistrano
Classification: Pathogenic. Last evaluated: 2024-01-19. Review status: criteria provided, single submitter. Criteria: Quest Diagnostics criteria. Collection method: clinical testing. Allele origin: unknown. Not counted in ClinVar's aggregate classification.
Comment: The BRCA2 c.3166C>T (p.Gln1056*) variant causes the premature termination of BRCA2 protein synthesis. This variant has been reported in the published literature in individuals with breast cancer (PMID: 18286383 (2008), 31454914 (2019)) and ovarian cancer (PMID: 28888541 (2017)). This variant has not been reported in large, multi-ethnic general populations (Genome Aggregation Database). Based on the available information, this variant is classified as pathogenic.

Women's Health and Genetics/Laboratory Corporation of America, LabCorp
Classification: Pathogenic for Hereditary breast ovarian cancer syndrome. Last evaluated: 2023-11-30. Review status: criteria provided, single submitter. Criteria: LabCorp Variant Classification Summary - May 2015. Collection method: clinical testing. Allele origin: germline. Not counted in ClinVar's aggregate classification.
Comment: Variant summary: BRCA2 c.3166C>T (p.Gln1056X) results in a premature termination codon, predicted to cause a truncation of the encoded protein or absence of the protein due to nonsense mediated decay, which are commonly known mechanisms for disease. The variant was absent in 246888 control chromosomes (gnomAD). c.3166C>T has been reported in the literature in multiple individuals affected with Hereditary Breast and Ovarian Cancer Syndrome (e.g. Rodriquez_2008, Rebbeck_2018). These data indicate that the variant is very likely to be associated with disease. To our knowledge, no experimental evidence demonstrating an impact on protein function has been reported. The following publications have been ascertained in the context of this evaluation (PMID: 18286383, 29446198). Five submitters, including an expert panel (ENIGMA), have cited clinical-significance assessments for this variant to ClinVar after 2014. All submitters classified the variant as pathogenic. Based on the evidence outlined above, the variant was classified as pathogenic.

All of Us Research Program, National Institutes of Health
Classification: Pathogenic for Breast-ovarian cancer, familial, susceptibility to, 2. Last evaluated: 2023-10-02. Review status: criteria provided, single submitter. Criteria: ACMG Guidelines, 2015. Collection method: clinical testing. Allele origin: germline. Inheritance: Autosomal dominant inheritance. Observed: 1 variant allele, 1 heterozygote. Not counted in ClinVar's aggregate classification.
Comment: This variant changes 1 nucleotide in exon 11 of the BRCA2 gene, creating a premature translation stop signal. This variant is expected to result in an absent or non-functional protein product. This variant has been reported in at least three individuals affected with breast cancer (PMID: 18286383, 34201547) and has been identified in 3 families among the CIMBA participants (PMID: 29446198). This variant has not been identified in the general population by the Genome Aggregation Database (gnomAD). Loss of BRCA2 function is a known mechanism of disease. Based on the available evidence, this variant is classified as Pathogenic.

This study involves interpretation of variants in research participants for the purpose of population health screening. Participant phenotype was not available at the time of variant classification. Additional details can be found in publication PMID: 35346344, PMCID: PMC8962531

Color Diagnostics, LLC DBA Color Health
Classification: Pathogenic for Hereditary cancer-predisposing syndrome. Last evaluated: 2023-08-14. Review status: criteria provided, single submitter. Criteria: ACMG Guidelines, 2015. Collection method: clinical testing. Allele origin: germline. Not counted in ClinVar's aggregate classification.
Comment: This variant changes 1 nucleotide in exon 11 of the BRCA2 gene, creating a premature translation stop signal. This variant is expected to result in an absent or non-functional protein product. This variant has been reported in at least three individuals affected with breast cancer (PMID: 18286383, 34201547) and has been identified in 3 families among the CIMBA participants (PMID: 29446198). This variant has not been identified in the general population by the Genome Aggregation Database (gnomAD). Loss of BRCA2 function is a known mechanism of disease. Based on the available evidence, this variant is classified as Pathogenic.

Baylor Genetics
Classification: Pathogenic for Familial cancer of breast. Last evaluated: 2022-06-08. Review status: criteria provided, single submitter. Criteria: ACMG Guidelines, 2015. Collection method: clinical testing. Allele origin: unknown. Not counted in ClinVar's aggregate classification.

Consortium of Investigators of Modifiers of BRCA1/2 (CIMBA), c/o University of Cambridge
Classification: Pathogenic for Breast-ovarian cancer, familial, susceptibility to, 2. Last evaluated: 2015-10-02. Review status: criteria provided, single submitter. Criteria: CIMBA Mutation Classification guidelines May 2016. Collection method: clinical testing. Allele origin: germline. Not counted in ClinVar's aggregate classification.

Research Molecular Genetics Laboratory, Women's College Hospital, University of Toronto
Classification: Pathogenic for Hereditary breast ovarian cancer syndrome. Last evaluated: 2014-01-31. Review status: no assertion criteria provided. Collection method: research. Allele origin: germline. Affected: yes. Study: The Canadian Open Genetics Repository (COGR). Not counted in ClinVar's aggregate classification.

Sharing Clinical Reports Project (SCRP)
Classification: Pathogenic for Breast-ovarian cancer, familial 2. Last evaluated: 2010-12-23. Review status: no assertion criteria provided. Collection method: clinical testing. Allele origin: germline. Not counted in ClinVar's aggregate classification.

Breast Cancer Information Core (BIC) (BRCA2)
Classification: Pathogenic for Breast-ovarian cancer, familial 2. Last evaluated: 2002-05-29. Review status: no assertion criteria provided. Collection method: clinical testing. Allele origin: germline. Affected: yes. Observed: 3 variant alleles. Not counted in ClinVar's aggregate classification.

Literature cited by the submitters: PubMed 18286383 (cited by 6 submitters); PubMed 20104584 (cited by Labcorp Genetics (formerly Invitae), Labcorp); PubMed 29446198 (cited by 5 submitters); PubMed 19967274 (cited by Quest Diagnostics Nichols Institute San Juan Capistrano); PubMed 28888541 (cited by Quest Diagnostics Nichols Institute San Juan Capistrano); PubMed 31454914 (cited by Quest Diagnostics Nichols Institute San Juan Capistrano); PubMed 34201547 (cited by All of Us Research Program, National Institutes of Health and Color Diagnostics, LLC DBA Color Health).

NM_000059.4(BRCA2):c.3166C>T (p.Gln1056Ter)

Gene: BRCA2 (BRCA2 DNA repair associated; plus strand). Cytogenetic location: 13q13.1.
Variant type: single nucleotide variant.
Coding change: c.3166C>T on transcript NM_000059.4 (MANE Select); coding-DNA position 3166, C replaced by T.
Protein change: p.Gln1056Ter; replaces glutamine 1056 with a stop codon.
Molecular consequence: nonsense.
Genome position (GRCh38, 1-based): chr13:32,337,521, C>T. VCF-style: chr13-32337521-C-T. GRCh37 (hg19) VCF-style: chr13-32911658-C-T.
Other names: 3394C>T; short protein forms Q1056*.
Identifiers: ClinVar variation 51412 (VCV000051412.28), dbSNP rs79728106, ClinGen allele CA017394.
Genomic context (GRCh38, chr13:32,337,521, plus strand): 5'-GAACAATATCCTACTAGTTTAGCTTGTGTTGAAATTGTAAATACCTTGGCATTAGATAAT[C>T]AAAAGAAACTGAGCAAGCCTCAGTCAATTAATACTGTATCTGCACATTTACAGAGTAGTG-3'